The following is an entry in ClinVar:

NM_018082.6(POLR3B):c.2570+3A>G

Gene: POLR3B (RNA polymerase III subunit B; plus strand). Cytogenetic location: 12q23.3.
Variant type: single nucleotide variant.
Coding change: c.2570+3A>G on transcript NM_018082.6 (MANE Select); 3 bases into the intron after coding-DNA position 2570, A replaced by G.
Molecular consequence: intron variant.
Genome position (GRCh38, 1-based): chr12:106,459,371, A>G. VCF-style: chr12-106459371-A-G. GRCh37 (hg19) VCF-style: chr12-106853149-A-G.
Other names: c.2396+3A>G (NM_001160708.2).
Identifiers: ClinVar variation 1308342 (VCV001308342.2), dbSNP rs757230080, ClinGen allele CA6762228.
Genomic context (GRCh38, chr12:106,459,371, plus strand): 5'-TTCCTTTGGAAGGAAGTAATGTACCACAGCAACCACAGTACAAAGATGTACCCATAACGT[A>G]TGTATTGGTTGTGCCCTGGTAATATGTAGAAAGGTTAGAAAAAGAGAAGAAATGGGAGAA-3'

ClinVar aggregate classification (germline): Uncertain significance (1 of 4 stars; one submission).

Allele frequency attached by ClinVar (database versions not stated): gnomAD 0.00001; TOPMed 0.00001.
gnomAD v4.1: 8 of 1,391,154 alleles (0.00058%); highest among the groups gnomAD compares: African/African-American, 0.0042%; no homozygotes.

Submission:

GeneDx
Classification: Uncertain significance. Last evaluated: 2019-03-21. Review status: criteria provided, single submitter. Criteria: GeneDx Variant Classification Process June 2021. Collection method: clinical testing. Allele origin: germline. Affected: yes.
Comment: Has not been previously published as pathogenic or benign to our knowledge; Not observed at a significant frequency in large population cohorts (Lek et al., 2016); In silico splice predictors suggests this variant may impact gene splicing. In the absence of RNA/functional studies, the actual effect of this sequence change is unknown